The following is an entry in ClinVar:

ClinVar aggregate classification (germline): Uncertain significance (1 of 4 stars; one submission).

Allele frequency attached by ClinVar (database versions not stated): gnomAD exomes 0.00001; ExAC 0.00002.
gnomAD v4.1: 7 of 1,608,810 alleles (0.00044%); highest among the groups gnomAD compares: Admixed American, 0.0067%; no homozygotes.

Submission:

Labcorp Genetics (formerly Invitae), Labcorp
Classification: Uncertain significance. Last evaluated: 2022-11-28. Review status: criteria provided, single submitter. Criteria: Invitae Variant Classification Sherloc (09022015). Collection method: clinical testing. Allele origin: germline.
Comment: This sequence change replaces arginine, which is basic and polar, with glycine, which is neutral and non-polar, at codon 370 of the PROM1 protein (p.Arg370Gly). This variant is present in population databases (rs770554881, gnomAD 0.01%). This variant has not been reported in the literature in individuals affected with PROM1-related conditions. Advanced modeling of protein sequence and biophysical properties (such as structural, functional, and spatial information, amino acid conservation, physicochemical variation, residue mobility, and thermodynamic stability) performed at Invitae indicates that this missense variant is not expected to disrupt PROM1 protein function. In summary, the available evidence is currently insufficient to determine the role of this variant in disease. Therefore, it has been classified as a Variant of Uncertain Significance.

NM_006017.3(PROM1):c.1108A>G (p.Arg370Gly)

Gene: PROM1 (prominin 1; minus strand). Cytogenetic location: 4p15.32.
Variant type: single nucleotide variant.
Coding change: c.1108A>G on transcript NM_006017.3 (MANE Select); coding-DNA position 1108, A replaced by G.
Protein change: p.Arg370Gly; replaces arginine 370 with glycine.
Molecular consequence: missense variant.
Genome position (GRCh38, 1-based): chr4:16,013,308, T>C on the plus strand (A>G on the coding strand, the complement: PROM1 is on the minus strand). VCF-style: chr4-16013308-T-C. GRCh37 (hg19) VCF-style: chr4-16014931-T-C.
Other names: c.1081A>G, p.Arg361Gly (NM_001145847.2, NM_001145848.2, NM_001145851.2 and 4 more transcripts); c.1108A>G, p.Arg370Gly (NM_001145849.2, NM_001145850.2); short protein forms R370G, R361G.
Identifiers: ClinVar variation 2965908 (VCV002965908.3), dbSNP rs770554881, ClinGen allele CA2866865.
Genomic context (GRCh38, chr4:16,013,308, plus strand): 5'-AAAATCACCTCAAACTGTGAATCTCACCTGCTACGACAGTCGTGGTTTGGCGTTGTACTC[T>C]GTCAGGTATATCATTAAGGGATTGATAGCCCTGAAAAATATTTCAAAATAAAAGGATGTA-3'
Protein context (NP_006008.1, residues 360-380): GYQSLNDIPD[Arg370Gly]VQRQTTTVVA